The following is an entry in ClinVar:

ClinVar aggregate classification (germline): Likely pathogenic. Review status: criteria provided, multiple submitters, no conflicts (2 of 4 stars). 2 submissions from 2 submitters: Likely pathogenic (2). Last evaluated 2025-05-19.

Conditions:
Autosomal recessive nonsyndromic hearing loss 77. Identifiers: Orphanet 90636, MedGen C2746083, MONDO:0013119, OMIM 613079.

Submissions (2):

Myriad Genetics, Inc.
Classification: Likely pathogenic for Autosomal recessive nonsyndromic hearing loss 77. Last evaluated: 2025-05-19. Review status: criteria provided, single submitter. Criteria: Myriad Autosomal Dominant, Autosomal Recessive and X-Linked Classification Criteria (2023). Collection method: clinical testing. Allele origin: unknown.
Comment: NM_144612.6(LOXHD1):c.5214-2A>C is a variant in a canonical splice site classified as likely pathogenic in the context of nonsyndromic hearing loss, LOXHD1-related. c.5214-2A>C has not been observed in cases with relevant disease. Relevant functional assessments of this variant are not available in the literature. c.5214-2A>C has not been observed in referenced population frequency databases. In summary, NM_144612.6(LOXHD1):c.5214-2A>C is a variant in a canonical splice site in a gene where loss of function is a known mechanism of disease and is predicted to disrupt protein function. Please note: this variant was assessed in the context of healthy population screening.

Labcorp Genetics (formerly Invitae), Labcorp
Classification: Likely pathogenic. Last evaluated: 2024-01-16. Review status: criteria provided, single submitter. Criteria: Invitae Variant Classification Sherloc (09022015). Collection method: clinical testing. Allele origin: germline.
Comment: This sequence change affects an acceptor splice site in intron 33 of the LOXHD1 gene. It is expected to disrupt RNA splicing. Variants that disrupt the donor or acceptor splice site typically lead to a loss of protein function (PMID: 16199547), and loss-of-function variants in LOXHD1 are known to be pathogenic (PMID: 19732867, 21465660, 25792669). This variant is not present in population databases (gnomAD no frequency). This variant has not been reported in the literature in individuals affected with LOXHD1-related conditions. Algorithms developed to predict the effect of sequence changes on RNA splicing suggest that this variant may disrupt the consensus splice site. In summary, the currently available evidence indicates that the variant is pathogenic, but additional data are needed to prove that conclusively. Therefore, this variant has been classified as Likely Pathogenic.

Literature cited by the submitters: PubMed 16199547 (cited by Labcorp Genetics (formerly Invitae), Labcorp); PubMed 19732867 (cited by Labcorp Genetics (formerly Invitae), Labcorp); PubMed 21465660 (cited by Labcorp Genetics (formerly Invitae), Labcorp); PubMed 25792669 (cited by Labcorp Genetics (formerly Invitae), Labcorp).

NM_001384474.1(LOXHD1):c.5400-2A>C

Gene: LOXHD1 (lipoxygenase homology PLAT domains 1; minus strand). Cytogenetic location: 18q21.1.
Variant type: single nucleotide variant.
Coding change: c.5400-2A>C on transcript NM_001384474.1 (MANE Select); the canonical splice acceptor site of the intron before coding-DNA position 5400, A replaced by C.
Molecular consequence: splice acceptor variant.
Genome position (GRCh38, 1-based): chr18:46,509,817, T>G on the plus strand (A>C on the coding strand, the complement: LOXHD1 is on the minus strand). VCF-style: chr18-46509817-T-G. GRCh37 (hg19) VCF-style: chr18-44089780-T-G.
Other names: c.2067-2A>C (NM_001145472.3); c.1779-2A>C (NM_001308013.2); c.117-2A>C (NM_001173129.2, NM_001145473.3); c.5214-2A>C (NM_144612.7).
Identifiers: ClinVar variation 2708347 (VCV002708347.4), dbSNP rs1319256860, ClinGen allele CA402368594.
Genomic context (GRCh38, chr18:46,509,817, plus strand): 5'-TGAATGGAGCAATGTCTAGGATCTCCATGATGAAGGTGTCGTTCTGCTCCCGCTCAAACC[T>G]GGGGGTGGAGAGGAGGGGCATGAAGAAGGGAAGCTGGCCATTGGGGAGGGTTGGGGTGGG-3'